The following is an entry in ClinVar:

NM_001034850.3(RETREG1):c.1152C>A (p.His384Gln)

Gene: RETREG1 (reticulophagy regulator 1; minus strand). Cytogenetic location: 5p15.1.
Variant type: single nucleotide variant.
Coding change: c.1152C>A on transcript NM_001034850.3 (MANE Select); coding-DNA position 1152, C replaced by A.
Protein change: p.His384Gln; replaces histidine 384 with glutamine.
Molecular consequence: missense variant.
Genome position (GRCh38, 1-based): chr5:16,475,083, G>T on the plus strand (C>A on the coding strand, the complement: RETREG1 is on the minus strand). VCF-style: chr5-16475083-G-T. GRCh37 (hg19) VCF-style: chr5-16475192-G-T.
Other names: c.729C>A, p.His243Gln (NM_019000.5); short protein forms H243Q, H384Q.
Identifiers: ClinVar variation 3895814 (VCV003895814.1).

ClinVar aggregate classification (germline): Uncertain significance (1 of 4 stars; one submission).

gnomAD v4.1: 6 of 1,613,860 alleles (0.00037%); highest among the groups gnomAD compares: African/African-American, 0.008%; no homozygotes.

Submission:

Women's Health and Genetics/Laboratory Corporation of America, LabCorp
Classification: Uncertain significance. Last evaluated: 2025-03-05. Review status: criteria provided, single submitter. Criteria: LabCorp Variant Classification Summary - May 2015. Collection method: clinical testing. Allele origin: germline.
Comment: Variant summary: RETREG1 c.1152C>A (p.His384Gln) results in a non-conservative amino acid change in the encoded protein sequence. Four of five in-silico tools predict a benign effect of the variant on protein function. The variant was absent in 280250 control chromosomes. The available data on variant occurrences in the general population are insufficient to allow any conclusion about variant significance. To our knowledge, no occurrence of c.1152C>A in individuals affected with Neuropathy, hereditary sensory and autonomic, type 2B and no experimental evidence demonstrating its impact on protein function have been reported. No submitters have cited clinical-significance assessments for this variant to ClinVar. Based on the evidence outlined above, the variant was classified as uncertain significance.